The following is an entry in ClinVar:

ClinVar aggregate classification (germline): Uncertain significance (1 of 4 stars; one submission).

Conditions:
Inborn genetic diseases. Identifiers: MedGen C0950123, MeSH D030342.

Allele frequency attached by ClinVar (database versions not stated): TOPMed below 0.00001; gnomAD 0.00001.
gnomAD v4.1: 1 of 1,613,734 alleles (0.000062%); highest among the groups gnomAD compares: Non-Finnish European, 0.000085%; no homozygotes.

Submission:

Ambry Genetics
Classification: Uncertain significance for Inborn genetic diseases. Last evaluated: 2020-07-30. Review status: criteria provided, single submitter. Criteria: Ambry Variant Classification Scheme 2023. Collection method: clinical testing. Allele origin: germline.
Comment: The p.T444S variant (also known as c.1330A>T), located in coding exon 12 of the FIG4 gene, results from an A to T substitution at nucleotide position 1330. The threonine at codon 444 is replaced by serine, an amino acid with similar properties. This amino acid position is highly conserved in available vertebrate species. In addition, the in silico prediction for this alteration is inconclusive. Since supporting evidence is limited at this time, the clinical significance of this alteration remains unclear.

NM_014845.6(FIG4):c.1330A>T (p.Thr444Ser)

Gene: FIG4 (FIG4 phosphoinositide 5-phosphatase; plus strand). Cytogenetic location: 6q21.
Variant type: single nucleotide variant.
Coding change: c.1330A>T on transcript NM_014845.6 (MANE Select); coding-DNA position 1330, A replaced by T.
Protein change: p.Thr444Ser; replaces threonine 444 with serine.
Molecular consequence: missense variant.
Genome position (GRCh38, 1-based): chr6:109,762,149, A>T. VCF-style: chr6-109762149-A-T. GRCh37 (hg19) VCF-style: chr6-110083352-A-T.
Other names: short protein forms T444S.
Identifiers: ClinVar variation 1770133 (VCV001770133.2), dbSNP rs1345372239, ClinGen allele CA365226210.
Genomic context (GRCh38, chr6:109,762,149, plus strand): 5'-AGCAAGCTGTGTAATGTTCTTGATCGACTAAATGTGATTGCAGAAAGTGTGGTGAAGAAA[A>T]CAGGTTTCTTTGTAAACCGCCCTGATTCTTACTGTAGCATTTTGCGGCCAGATGAAAAGT-3'
Protein context (NP_055660.1, residues 434-454): NVIAESVVKK[Thr444Ser]GFFVNRPDSY